The following is an entry in ClinVar:

ClinVar aggregate classification (germline): Likely pathogenic (1 of 4 stars; one submission).

Conditions:
Mitochondrial disease. Also called: Mitochondrial disorders; Mitochondrial disorder. Identifiers: Orphanet 68380, MedGen C0751651, MeSH D028361, MONDO:0044970.

Submission:

Genomenon, Inc
Classification: Likely pathogenic for Mitochondrial disease. Last evaluated: 2025-11-24. Review status: criteria provided, single submitter. Criteria: Genomenon Sequence Variant Interpretation Standards - Updated. Collection method: curation. Allele origin: germline. Affected: yes.
Comment: TK2 c.156+958G>A is a deeply intronic variant located in intron 2. This variant has been observed in a proband affected with mitochondrial disease in the compound heterozygous state with a pathogenic or likely pathogenic variant confirmed in trans and was found to segregate with disease in this family (37715114). This variant is not present at a significant frequency in gnomAD. In conclusion, we classify TK2 c.156+958G>A as a likely pathogenic variant.

Literature cited by the submitters: PubMed 37715114.

NM_004614.5(TK2):c.156+958G>A

Gene: TK2 (thymidine kinase 2; minus strand). Cytogenetic location: 16q21.
Variant type: single nucleotide variant.
Coding change: c.156+958G>A on transcript NM_004614.5 (MANE Select); 958 bases into the intron after coding-DNA position 156, G replaced by A.
Molecular consequence: intron variant. On other transcripts: 5 prime UTR variant (1).
Genome position (GRCh38, 1-based): chr16:66,548,020, C>T on the plus strand (G>A on the coding strand, the complement: TK2 is on the minus strand). VCF-style: chr16-66548020-C-T. GRCh37 (hg19) VCF-style: chr16-66581923-C-T.
Other names: c.-41G>A (NM_001271934.2); c.63+958G>A (NM_001271935.1, NM_001172643.1); c.156+958G>A (NM_001172644.2, NM_001172645.2); c.-136+958G>A (NM_001272050.2).
Identifiers: ClinVar variation 3778875 (VCV003778875.2).